The following is an entry in ClinVar:

ClinVar aggregate classification (germline): Uncertain significance. Review status: criteria provided, multiple submitters, no conflicts (2 of 4 stars). 3 submissions from 3 submitters: Uncertain significance (3). Last evaluated 2026-01-11.

Conditions:
Epidermolysis bullosa simplex 7, with nephropathy and deafness. Also called: Nephrotic syndrome - deafness - pretibial epidermolysis bullosa syndrome; Nephropathy with Pretibial Epidermolysis Bullosa and Deafness. Identifiers: Orphanet 300333, MedGen C1836823, MONDO:0012190, OMIM 609057.
RAPH BLOOD GROUP SYSTEM. Also called: MER2 BLOOD CELL ANTIGEN EXPRESSION. Identifiers: MedGen C1867341, OMIM 179620.
CD151-related disorder. Also called: CD151-related condition.

Submissions (3):

PreventionGenetics, part of Exact Sciences
Classification: Uncertain significance for CD151-related condition. Last evaluated: 2026-01-11. Review status: criteria provided, single submitter. Criteria: ACMG Guidelines, 2015. Collection method: clinical testing. Allele origin: germline.
Comment: The CD151 c.397C>T variant is predicted to result in the amino acid substitution p.Arg133Cys. To our knowledge, this variant has not been reported in the literature. This variant is reported in 0.010% of alleles in individuals of East Asian descent in gnomAD. At this time, the clinical significance of this variant is uncertain due to the absence of conclusive functional and genetic evidence.

Labcorp Genetics (formerly Invitae), Labcorp
Classification: Uncertain significance. Last evaluated: 2025-08-03. Review status: criteria provided, single submitter. Criteria: Invitae Variant Classification Sherloc (09022015). Collection method: clinical testing. Allele origin: germline.
Comment: This sequence change replaces arginine, which is basic and polar, with cysteine, which is neutral and slightly polar, at codon 133 of the CD151 protein (p.Arg133Cys). This variant is present in population databases (rs569327790, gnomAD 0.01%). This variant has not been reported in the literature in individuals affected with CD151-related conditions. ClinVar contains an entry for this variant (Variation ID: 3574095). An algorithm developed to predict the effect of missense changes on protein structure and function (PolyPhen-2) suggests that this variant is likely to be disruptive. In summary, the available evidence is currently insufficient to determine the role of this variant in disease. Therefore, it has been classified as a Variant of Uncertain Significance.

Fulgent Genetics
Classification: Uncertain significance for RAPH BLOOD GROUP SYSTEM; Epidermolysis bullosa simplex 7, with nephropathy and deafness. Last evaluated: 2024-01-18. Review status: criteria provided, single submitter. Criteria: ACMG Guidelines, 2015. Collection method: clinical testing. Allele origin: germline.

NM_004357.5(CD151):c.397C>T (p.Arg133Cys)

Gene: CD151 (CD151 molecule (Raph blood group); plus strand). Cytogenetic location: 11p15.5.
Variant type: single nucleotide variant.
Coding change: c.397C>T on transcript NM_004357.5 (MANE Select); coding-DNA position 397, C replaced by T.
Protein change: p.Arg133Cys; replaces arginine 133 with cysteine.
Molecular consequence: missense variant.
Genome position (GRCh38, 1-based): chr11:837,295, C>T. VCF-style: chr11-837295-C-T. GRCh37 (hg19) VCF-style: chr11-837295-C-T.
Other names: c.397C>T (NM_004357.4); c.397C>T, p.Arg133Cys (NM_001039490.2, NM_139029.2, NM_139030.4); short protein forms R133C.
Identifiers: ClinVar variation 3574095 (VCV003574095.3).